The following is an entry in ClinVar:

NM_000255.4(MMUT):c.1463dup (p.Val489fs)

Gene: MMUT (methylmalonyl-CoA mutase; minus strand). Cytogenetic location: 6p12.3.
Variant type: Duplication.
Coding change: c.1463dup on transcript NM_000255.4 (MANE Select); coding-DNA position 1463, one base duplicated (G; older notation c.1463dupG).
Protein change: p.Val489fs; shifts the reading frame from valine 489.
Molecular consequence: frameshift variant.
Genome position (GRCh38, 1-based): chr6:49,447,767, C duplicated on the plus strand (G on the coding strand, the reverse complement: MMUT is on the minus strand); the first of 2 consecutive C bases (chr6:49,447,767-49,447,768); duplicating either gives the same sequence. VCF-style (leftmost placement, unchanged base first): chr6-49447766-T-TC. GRCh37 (hg19) VCF-style: chr6-49415479-T-TC.
Other names: short protein forms V489fs.
Identifiers: ClinVar variation 1075803 (VCV001075803.7), dbSNP rs2127416851, ClinGen allele CA2499218328.
Genomic context (GRCh38, chr6:49,447,766, plus strand): 5'-AGTATTATCAATTGCCAGAACTTCTACAGCGTCTTCTTTTTCCAACTGGTACTTATTTAC[T>TC]CCAACAATTACTTCAGAACCTGGTAATTTCCCAAAGAAAAATTTTATTCACAAATAATTA-3'

ClinVar aggregate classification (germline): Pathogenic (1 of 4 stars; one submission).

Submission:

Labcorp Genetics (formerly Invitae), Labcorp
Classification: Pathogenic. Last evaluated: 2020-02-04. Review status: criteria provided, single submitter. Criteria: Invitae Variant Classification Sherloc (09022015). Collection method: clinical testing. Allele origin: germline.
Comment: For these reasons, this variant has been classified as Pathogenic. Loss-of-function variants in MUT are known to be pathogenic (PMID: 15781192). This variant has not been reported in the literature in individuals with MUT-related conditions. This variant is not present in population databases (ExAC no frequency). This sequence change creates a premature translational stop signal (p.Val489Serfs*3) in the MUT gene. It is expected to result in an absent or disrupted protein product.

Literature cited by the submitters: PubMed 15781192.